The following is an entry in ClinVar:

ClinVar aggregate classification (germline): Pathogenic/Likely pathogenic. Review status: criteria provided, multiple submitters, no conflicts (2 of 4 stars). 2 submissions from 2 submitters: Pathogenic (1); Likely pathogenic (1). Last evaluated 2025-12-07.

Conditions:
Retinitis pigmentosa 28 (RP28). Identifiers: Orphanet 791, MedGen C1419614, MONDO:0011630, OMIM 606068.

Allele frequency attached by ClinVar (database versions not stated): gnomAD exomes below 0.00001.
gnomAD v4.1: 4 of 1,613,942 alleles (0.00025%); highest among the groups gnomAD compares: Non-Finnish European, 0.00025%; no homozygotes.

Submissions (2):

Natera, Inc.
Classification: Likely pathogenic for Retinitis pigmentosa type 28. Last evaluated: 2025-12-07. Review status: criteria provided, single submitter. Criteria: Natera Variant Classification Schema (03/2026). Collection method: clinical testing. Allele origin: germline.
Comment: The c.760G>T variant in FAM161A is a nonsense variant predicted to introduce a stop codon at amino acid 254. This variant is expected to result in nonsense mediated decay, truncation, or a dysfunctional protein product. This variant is rare in the general population with a frequency below the threshold expected for the associated phenotype(s). Given the available evidence, this variant is classified as Likely Pathogenic.

Labcorp Genetics (formerly Invitae), Labcorp
Classification: Pathogenic. Last evaluated: 2024-02-02. Review status: criteria provided, single submitter. Criteria: Invitae Variant Classification Sherloc (09022015). Collection method: clinical testing. Allele origin: germline.
Comment: This sequence change creates a premature translational stop signal (p.Glu254*) in the FAM161A gene. It is expected to result in an absent or disrupted protein product. Loss-of-function variants in FAM161A are known to be pathogenic (PMID: 20705278, 20705279, 24651477). This variant is not present in population databases (gnomAD no frequency). This variant has not been reported in the literature in individuals affected with FAM161A-related conditions. For these reasons, this variant has been classified as Pathogenic.

Literature cited by the submitters: PubMed 20705278 (cited by Labcorp Genetics (formerly Invitae), Labcorp); PubMed 20705279 (cited by Labcorp Genetics (formerly Invitae), Labcorp); PubMed 24651477 (cited by Labcorp Genetics (formerly Invitae), Labcorp).

NM_001201543.2(FAM161A):c.760G>T (p.Glu254Ter)

Gene: FAM161A (FAM161 centrosomal protein A; minus strand). Cytogenetic location: 2p15.
Variant type: single nucleotide variant.
Coding change: c.760G>T on transcript NM_001201543.2 (MANE Select); coding-DNA position 760, G replaced by T.
Protein change: p.Glu254Ter; replaces glutamic acid 254 with a stop codon.
Molecular consequence: nonsense. On other transcripts: non-coding transcript variant (1).
Genome position (GRCh38, 1-based): chr2:61,840,244, C>A on the plus strand (G>T on the coding strand, the complement: FAM161A is on the minus strand). VCF-style: chr2-61840244-C-A. GRCh37 (hg19) VCF-style: chr2-62067379-C-A.
Other names: c.760G>T, p.Glu254Ter (NM_032180.3); c.760G>T (NM_001201543.1); short protein forms E254*.
Identifiers: ClinVar variation 2989751 (VCV002989751.4), dbSNP rs2466027157, ClinGen allele CA346988372.